The following is an entry in ClinVar:

NM_138775.3(ALKBH8):c.429A>T (p.Ile143=)

Gene: ALKBH8 (alkB homolog 8, tRNA methyltransferase; minus strand). Cytogenetic location: 11q22.3.
Variant type: single nucleotide variant.
Coding change: c.429A>T on transcript NM_138775.3 (MANE Select); coding-DNA position 429, A replaced by T.
Protein change: p.Ile143=; no amino-acid change (isoleucine 143 retained).
Molecular consequence: synonymous variant. On other transcripts: non-coding transcript variant (6).
Genome position (GRCh38, 1-based): chr11:107,553,917, T>A on the plus strand (A>T on the coding strand, the complement: ALKBH8 is on the minus strand). VCF-style: chr11-107553917-T-A. GRCh37 (hg19) VCF-style: chr11-107424643-T-A.
Other names: c.429A>T, p.Ile143= (NM_001301010.3, NM_001378133.1).
Identifiers: ClinVar variation 4873039 (VCV004873039.2).

ClinVar aggregate classification (germline): Likely benign (1 of 4 stars; one submission).

Submission:

CeGaT Center for Human Genetics Tuebingen
Classification: Likely benign. Last evaluated: 2026-04-01. Review status: criteria provided, single submitter. Criteria: CeGaT Center For Human Genetics Tuebingen Variant Classification Criteria Version 2. Collection method: clinical testing. Allele origin: germline. Affected: yes. Observed: 2 variant alleles.
Comment: ALKBH8: PM2:Supporting, BP4, BP7